The following is an entry in ClinVar:

NM_014225.6(PPP2R1A):c.539T>G (p.Met180Arg)

Gene: PPP2R1A (protein phosphatase 2 scaffold subunit Aalpha; plus strand). Cytogenetic location: 19q13.41.
Variant type: single nucleotide variant.
Coding change: c.539T>G on transcript NM_014225.6 (MANE Select); coding-DNA position 539, T replaced by G.
Protein change: p.Met180Arg; replaces methionine 180 with arginine.
Molecular consequence: missense variant. On other transcripts: initiator codon variant (1), non-coding transcript variant (1).
Genome position (GRCh38, 1-based): chr19:52,212,721, T>G. VCF-style: chr19-52212721-T-G. GRCh37 (hg19) VCF-style: chr19-52715974-T-G.
Other names: c.2T>G, p.Met1Arg (NM_001363656.2); short protein forms M180R, M1R.
Identifiers: ClinVar variation 1098340 (VCV001098340.3), dbSNP rs1600167941, ClinGen allele CA407183532.
Genomic context (GRCh38, chr19:52,212,721, plus strand): 5'-CAGGATCCCCGTCCCCGACTCCCAGGTACTTCCGGAACCTGTGCTCAGATGACACCCCCA[T>G]GGTGCGGCGGGCCGCAGCCTCCAAGCTGGGGGAGTTTGCCAAGGTGCTGGAGCTGGACAA-3'
Protein context (NP_055040.2, residues 170-190): FRNLCSDDTP[Met180Arg]VRRAAASKLG

ClinVar aggregate classification (germline): Likely pathogenic (1 of 4 stars; one submission).

Submission:

Genetics Laboratory, UDIAT-Centre Diagnòstic, Hospital Universitari Parc Tauli
Classification: Likely pathogenic. Last evaluated: 2021-04-26. Review status: criteria provided, single submitter. Criteria: Parc Tauli Hospital Assertion Criteria 2021. Collection method: clinical testing. Allele origin: de novo. Inheritance: Autosomal dominant inheritance. Affected: yes. Observed: 1 heterozygote.
Comment: PM1_moderate;PM2_supporting;PM5_moderate;PM6_moderate;PP2_supporting;PP3_supporting

Literature cited by the submitters: PubMed 33106617.